The following is an entry in ClinVar:

NM_002103.5(GYS1):c.1831A>G (p.Met611Val)

Gene: GYS1 (glycogen synthase 1; minus strand). Cytogenetic location: 19q13.33.
Variant type: single nucleotide variant.
Coding change: c.1831A>G on transcript NM_002103.5 (MANE Select); coding-DNA position 1831, A replaced by G.
Protein change: p.Met611Val; replaces methionine 611 with valine.
Molecular consequence: missense variant. On other transcripts: non-coding transcript variant (1).
Genome position (GRCh38, 1-based): chr19:48,969,834, T>C on the plus strand (A>G on the coding strand, the complement: GYS1 is on the minus strand). VCF-style: chr19-48969834-T-C. GRCh37 (hg19) VCF-style: chr19-49473091-T-C.
Other names: c.1639A>G, p.Met547Val (NM_001161587.2); short protein forms M547V, M611V.
Identifiers: ClinVar variation 3031421 (VCV003031421.11), dbSNP rs138443659, ClinGen allele CA9562770.
Genomic context (GRCh38, chr19:48,969,834, plus strand): 5'-CCGCATCCGCCTCGTTGGGCTCGTAGGTGAAGTGCTCTGGAAAGGCCTTGGACAGCGCCA[T>C]GTGGCGCGCAGACATATAGTACTAGGGGAAAGGAGGAGAGGGGGCAGAGGATGTGAGAGC-3'
Protein context (NP_002094.2, residues 601-621): LGRYYMSARH[Met611Val]ALSKAFPEHF

ClinVar aggregate classification (germline): Uncertain significance. Review status: criteria provided, multiple submitters, no conflicts (2 of 4 stars). 4 submissions from 4 submitters: Uncertain significance (3). 1 of the submissions does not count toward it. Last evaluated 2025-09-01.

Conditions:
Glycogen storage disease due to muscle and heart glycogen synthase deficiency. Also called: GSD 0b; MUSCLE GLYCOGEN SYNTHASE DEFICIENCY. Identifiers: Orphanet 137625, MedGen C1969054, MONDO:0012693, OMIM 611556.
GYS1-related disorder. Also called: GYS1-related condition.
Inborn genetic diseases. Identifiers: MedGen C0950123, MeSH D030342.

Allele frequency attached by ClinVar (database versions not stated): gnomAD exomes below 0.00001; ExAC 0.00001; TOPMed 0.00002; gnomAD 0.00003; ESP Exome Variant Server 0.00008.

Submissions (4):

Ambry Genetics
Classification: Uncertain significance for Inborn genetic diseases. Last evaluated: 2025-09-01. Review status: criteria provided, single submitter. Criteria: Ambry Variant Classification Scheme 2023. Collection method: clinical testing. Allele origin: germline.

CeGaT Center for Human Genetics Tuebingen
Classification: Uncertain significance. Last evaluated: 2025-09-01. Review status: criteria provided, single submitter. Criteria: CeGaT Center For Human Genetics Tuebingen Variant Classification Criteria Version 2. Collection method: clinical testing. Allele origin: germline. Affected: yes. Observed: 1 variant allele.
Comment: GYS1: PM2

ARUP Laboratories, Molecular Genetics and Genomics, ARUP Laboratories
Classification: Uncertain significance for Glycogen storage disease due to muscle and heart glycogen synthase deficiency. Last evaluated: 2025-05-09. Review status: criteria provided, single submitter. Criteria: ARUP Molecular Germline Variant Investigation Process 2024. Collection method: clinical testing. Allele origin: germline.
Comment: The GYS1 c.1831A>G; p.Met611Val variant (rs138443659), to our knowledge, is not reported in the medical literature but is reported in ClinVar (Variation ID: 3031421). This variant is only observed on two alleles in the Genome Aggregation Database (v2.1.1), indicating it is not a common polymorphism. Computational analyses are uncertain whether this variant is neutral or deleterious (REVEL: 0.158). Due to limited information, the clinical significance of this variant is uncertain at this time.

PreventionGenetics, part of Exact Sciences
Classification: Uncertain significance for GYS1-related condition. Last evaluated: 2024-02-15. Review status: no assertion criteria provided. Collection method: clinical testing. Allele origin: germline. Not counted in ClinVar's aggregate classification.
Comment: The GYS1 c.1831A>G variant is predicted to result in the amino acid substitution p.Met611Val. To our knowledge, this variant has not been reported in the literature. This variant is reported in 0.0080% of alleles in individuals of African descent in gnomAD. At this time, the clinical significance of this variant is uncertain due to the absence of conclusive functional and genetic evidence.